The following is an entry in ClinVar:

NM_001098671.2(RASGRP2):c.154C>T (p.Leu52=)

Gene: RASGRP2 (RAS guanyl releasing protein 2; minus strand). Cytogenetic location: 11q13.1.
Variant type: single nucleotide variant.
Coding change: c.154C>T on transcript NM_001098671.2 (MANE Select); coding-DNA position 154, C replaced by T.
Protein change: p.Leu52=; no amino-acid change (leucine 52 retained).
Molecular consequence: synonymous variant. On other transcripts: 5 prime UTR variant (1).
Genome position (GRCh38, 1-based): chr11:64,742,032, G>A on the plus strand (C>T on the coding strand, the complement: RASGRP2 is on the minus strand). VCF-style: chr11-64742032-G-A. GRCh37 (hg19) VCF-style: chr11-64509504-G-A.
Other names: p.Leu52=; c.154C>T, p.Leu52= (NM_001098670.2, NM_153819.2); c.-282C>T (NM_001318398.2).
Identifiers: ClinVar variation 781001 (VCV000781001.11), dbSNP rs149051696, ClinGen allele CA6079369.

ClinVar aggregate classification (germline): Benign. Review status: criteria provided, multiple submitters, no conflicts (2 of 4 stars). 3 submissions from 3 submitters: Benign (3). Last evaluated 2026-02-01.

Allele frequency attached by ClinVar (database versions not stated): gnomAD 0.00821 and 0.00752; 1000 Genomes Project 30x 0.00828; ESP Exome Variant Server 0.00831; gnomAD exomes 0.00069 and 0.00172; ExAC 0.00287; 1000 Genomes Project 0.00799; TOPMed 0.00818.

Submissions (3):

Labcorp Genetics (formerly Invitae), Labcorp
Classification: Benign. Last evaluated: 2026-02-01. Review status: criteria provided, single submitter. Criteria: Invitae Variant Classification Sherloc (09022015). Collection method: clinical testing. Allele origin: germline.

Mayo Clinic Laboratories, Mayo Clinic
Classification: Benign. Last evaluated: 2023-10-25. Review status: criteria provided, single submitter. Criteria: ACMG Guidelines, 2015. Collection method: clinical testing. Allele origin: germline. Observed: 7 variant alleles.
Comment: BS1, BS2, BP4, BP7

Breakthrough Genomics
Classification: Benign. Review status: criteria provided, single submitter. Criteria: ACMG Guidelines, 2015. Collection method: not provided. Allele origin: germline. Inheritance: Autosomal recessive inheritance. Affected: yes.